The following is an entry in ClinVar:

ClinVar aggregate classification (germline): Uncertain significance. Review status: criteria provided, multiple submitters, no conflicts (2 of 4 stars). 2 submissions from 2 submitters: Uncertain significance (2). Last evaluated 2025-06-29.

Conditions:
Inborn genetic diseases. Identifiers: MedGen C0950123, MeSH D030342.

gnomAD v4.1: 1 of 1,614,236 alleles (0.000062%); highest among the groups gnomAD compares: Admixed American, 0.0017%; no homozygotes.

Submissions (2):

Labcorp Genetics (formerly Invitae), Labcorp
Classification: Uncertain significance. Last evaluated: 2025-06-29. Review status: criteria provided, single submitter. Criteria: Invitae Variant Classification Sherloc (09022015). Collection method: clinical testing. Allele origin: germline.
Comment: This sequence change replaces alanine, which is neutral and non-polar, with serine, which is neutral and polar, at codon 546 of the DUOX2 protein (p.Ala546Ser). This variant is present in population databases (no rsID available, gnomAD 0.006%). This variant has not been reported in the literature in individuals affected with DUOX2-related conditions. ClinVar contains an entry for this variant (Variation ID: 2209564). Invitae Evidence Modeling of protein sequence and biophysical properties (such as structural, functional, and spatial information, amino acid conservation, physicochemical variation, residue mobility, and thermodynamic stability) indicates that this missense variant is not expected to disrupt DUOX2 protein function with a negative predictive value of 80%. In summary, the available evidence is currently insufficient to determine the role of this variant in disease. Therefore, it has been classified as a Variant of Uncertain Significance.

Ambry Genetics
Classification: Uncertain significance for Inborn genetic diseases. Last evaluated: 2022-06-09. Review status: criteria provided, single submitter. Criteria: Ambry Variant Classification Scheme 2023. Collection method: clinical testing. Allele origin: germline.

NM_001363711.2(DUOX2):c.1636G>T (p.Ala546Ser)

Gene: DUOX2 (dual oxidase 2; minus strand). Cytogenetic location: 15q21.1.
Variant type: single nucleotide variant.
Coding change: c.1636G>T on transcript NM_001363711.2 (MANE Select); coding-DNA position 1636, G replaced by T.
Protein change: p.Ala546Ser; replaces alanine 546 with serine.
Molecular consequence: missense variant.
Genome position (GRCh38, 1-based): chr15:45,107,402, C>A on the plus strand (G>T on the coding strand, the complement: DUOX2 is on the minus strand). VCF-style: chr15-45107402-C-A. GRCh37 (hg19) VCF-style: chr15-45399600-C-A.
Other names: c.1636G>T, p.Ala546Ser (NM_014080.5); short protein forms A546S.
Identifiers: ClinVar variation 2209564 (VCV002209564.3), dbSNP rs764655103, ClinGen allele CA392274602.
Genomic context (GRCh38, chr15:45,107,402, plus strand): 5'-CACCTTTATGCCAGACAAAGACATTGGGCTGCAGGGCACTGGGGTCAATGTTGATAACAG[C>A]GACCAGCACGTCCCGCAGGGTGGTATTTCGGATGTCTTCAATCTCCTTCTTGGAGAACAG-3'
Protein context (NP_001350640.1, residues 536-556): RNTTLRDVLV[Ala546Ser]VINIDPSALQ